The following is an entry in ClinVar:

ClinVar aggregate classification (germline): Uncertain significance (1 of 4 stars; one submission).

Conditions:
Autosomal recessive limb-girdle muscular dystrophy type 2Y (MRRSDC). Also called: Muscular dystrophy, limb-girdle, type 2y; Muscular dystrophy, autosomal recessive, with rigid spine and distal joint contractures. Identifiers: Orphanet 424261, MedGen C4511482, MONDO:0014900, OMIM 617072.

Submission:

Labcorp Genetics (formerly Invitae), Labcorp
Classification: Uncertain significance for Autosomal recessive limb-girdle muscular dystrophy type 2Y. Last evaluated: 2022-07-26. Review status: criteria provided, single submitter. Criteria: Invitae Variant Classification Sherloc (09022015). Collection method: clinical testing. Allele origin: germline.
Comment: In summary, the available evidence is currently insufficient to determine the role of this variant in disease. Therefore, it has been classified as a Variant of Uncertain Significance. ClinVar contains an entry for this variant (Variation ID: 655816). This variant has not been reported in the literature in individuals affected with TOR1AIP1-related conditions. This variant is not present in population databases (gnomAD no frequency). This sequence change creates a premature translational stop signal (p.Thr319Asnfs*39) in the TOR1AIP1 gene. While this is not anticipated to result in nonsense mediated decay, it is expected to disrupt the last 266 amino acid(s) of the TOR1AIP1 protein.

NM_015602.4(TOR1AIP1):c.952dup (p.Thr318fs)

Gene: TOR1AIP1 (torsin 1A interacting protein 1; plus strand). Cytogenetic location: 1q25.2.
Variant type: Duplication.
Coding change: c.952dup on transcript NM_015602.4 (MANE Select); coding-DNA position 952, one base duplicated (A; older notation c.952dupA).
Protein change: p.Thr318fs; shifts the reading frame from threonine 318.
Molecular consequence: frameshift variant.
Genome position (GRCh38, 1-based): chr1:179,914,042, A duplicated; the last of 2 consecutive A bases (chr1:179,914,041-179,914,042); duplicating either gives the same sequence. VCF-style (leftmost placement, unchanged base first): chr1-179914040-C-CA. GRCh37 (hg19) VCF-style: chr1-179883175-C-CA.
Other names: c.955dup, p.Thr319fs (NM_001267578.2); c.955dupA (NM_001267578.1); short protein forms T318fs, T319fs.
Identifiers: ClinVar variation 655816 (VCV000655816.7), dbSNP rs1571738652, ClinGen allele CA915941915.